The following is an entry in ClinVar:

ClinVar aggregate classification (germline): Uncertain significance. Review status: criteria provided, multiple submitters, no conflicts (2 of 4 stars). 2 submissions from 2 submitters: Uncertain significance (2). Last evaluated 2026-01-23.

Conditions:
DNA ligase IV deficiency. Identifiers: Orphanet 99812, MedGen C1847827, MONDO:0011686, OMIM 606593.

Allele frequency attached by ClinVar (database versions not stated): ExAC 0.00001; gnomAD 0.00001; gnomAD exomes 0.00002 and 0.00003; TOPMed 0.00002; ESP Exome Variant Server 0.00008; 1000 Genomes Project 30x 0.00016; 1000 Genomes Project 0.00020.
gnomAD v4.1: 39 of 1,614,044 alleles (0.0024%); highest among the groups gnomAD compares: Non-Finnish European, 0.0031%; no homozygotes.

Submissions (2):

Women's Health and Genetics/Laboratory Corporation of America, LabCorp
Classification: Uncertain significance. Last evaluated: 2026-01-23. Review status: criteria provided, single submitter. Criteria: LabCorp Variant Classification Summary - May 2015. Collection method: clinical testing. Allele origin: germline.

Labcorp Genetics (formerly Invitae), Labcorp
Classification: Uncertain significance for DNA ligase IV deficiency. Last evaluated: 2021-09-01. Review status: criteria provided, single submitter. Criteria: Invitae Variant Classification Sherloc (09022015). Collection method: clinical testing. Allele origin: germline.
Comment: This sequence change replaces proline with serine at codon 566 of the LIG4 protein (p.Pro566Ser). The proline residue is weakly conserved and there is a moderate physicochemical difference between proline and serine. This variant is present in population databases (rs151324221, ExAC 0.001%). This variant has not been reported in the literature in individuals affected with LIG4-related conditions. Algorithms developed to predict the effect of missense changes on protein structure and function output the following: SIFT: "Tolerated"; PolyPhen-2: "Benign"; Align-GVGD: "Class C0". The serine amino acid residue is found in multiple mammalian species, which suggests that this missense change does not adversely affect protein function. In summary, the available evidence is currently insufficient to determine the role of this variant in disease. Therefore, it has been classified as a Variant of Uncertain Significance.

NM_206937.2(LIG4):c.1696C>T (p.Pro566Ser)

Gene: LIG4 (DNA ligase 4; minus strand). Cytogenetic location: 13q33.3.
Variant type: single nucleotide variant.
Coding change: c.1696C>T on transcript NM_206937.2 (MANE Select); coding-DNA position 1696, C replaced by T.
Protein change: p.Pro566Ser; replaces proline 566 with serine.
Molecular consequence: missense variant.
Genome position (GRCh38, 1-based): chr13:108,209,573, G>A on the plus strand (C>T on the coding strand, the complement: LIG4 is on the minus strand). VCF-style: chr13-108209573-G-A. GRCh37 (hg19) VCF-style: chr13-108861921-G-A.
Other names: c.1696C>T, p.Pro566Ser (NM_002312.3, NM_001098268.2, NM_001352598.2 and 6 more transcripts); c.1495C>T, p.Pro499Ser (NM_001330595.2); c.1732C>T, p.Pro578Ser (NM_001352604.2); short protein forms P499S, P566S, P578S.
Identifiers: ClinVar variation 948971 (VCV000948971.7), dbSNP rs151324221, ClinGen allele CA7043636.